The following is an entry in ClinVar:

ClinVar aggregate classification (germline): Uncertain significance. Review status: criteria provided, multiple submitters, no conflicts (2 of 4 stars). 2 submissions from 2 submitters: Uncertain significance (2). Last evaluated 2025-05-19.

Conditions:
Idiopathic generalized epilepsy. Also called: EIG; Generalised epilepsy. Identifiers: MedGen C0270850, MONDO:0005579, OMIM 600669.
Hyperaldosteronism, familial, type IV (HALD4). Also called: FH IV; ALDOSTERONISM, PRIMARY, AND HYPERTENSION. Identifiers: Orphanet 642671, MedGen C4310756, MONDO:0014875, OMIM 617027.
Inborn genetic diseases. Identifiers: MedGen C0950123, MeSH D030342.

gnomAD v4.1: 14 of 1,539,798 alleles (0.00091%); highest among the groups gnomAD compares: African/African-American, 0.0014%; no homozygotes.

Submissions (2):

Ambry Genetics
Classification: Uncertain significance for Inborn genetic diseases. Last evaluated: 2025-05-19. Review status: criteria provided, single submitter. Criteria: Ambry Variant Classification Scheme 2023. Collection method: clinical testing. Allele origin: germline.

Labcorp Genetics (formerly Invitae), Labcorp
Classification: Uncertain significance for Idiopathic generalized epilepsy; Hyperaldosteronism, familial, type IV. Last evaluated: 2022-02-03. Review status: criteria provided, single submitter. Criteria: Invitae Variant Classification Sherloc (09022015). Collection method: clinical testing. Allele origin: germline.
Comment: This sequence change replaces glycine, which is neutral and non-polar, with aspartic acid, which is acidic and polar, at codon 2087 of the CACNA1H protein (p.Gly2087Asp). In summary, the available evidence is currently insufficient to determine the role of this variant in disease. Therefore, it has been classified as a Variant of Uncertain Significance. Advanced modeling of protein sequence and biophysical properties (such as structural, functional, and spatial information, amino acid conservation, physicochemical variation, residue mobility, and thermodynamic stability) performed at Invitae indicates that this missense variant is not expected to disrupt CACNA1H protein function. This variant has not been reported in the literature in individuals affected with CACNA1H-related conditions. This variant is not present in population databases (gnomAD no frequency).

NM_021098.3(CACNA1H):c.6260G>A (p.Gly2087Asp)

Gene: CACNA1H (calcium voltage-gated channel subunit alpha1 H; plus strand). Cytogenetic location: 16p13.3.
Variant type: single nucleotide variant.
Coding change: c.6260G>A on transcript NM_021098.3 (MANE Select); coding-DNA position 6260, G replaced by A.
Protein change: p.Gly2087Asp; replaces glycine 2087 with aspartic acid.
Molecular consequence: missense variant.
Genome position (GRCh38, 1-based): chr16:1,220,192, G>A. VCF-style: chr16-1220192-G-A. GRCh37 (hg19) VCF-style: chr16-1270192-G-A.
Other names: c.6260G>A (NM_021098.2); c.6242G>A, p.Gly2081Asp (NM_001005407.2); short protein forms G2087D, G2081D.
Identifiers: ClinVar variation 2145994 (VCV002145994.5), dbSNP rs750666820, ClinGen allele CA394149384.